The following is an entry in ClinVar:

NM_194248.3(OTOF):c.5991C>T (p.Ala1997=)

Gene: OTOF (otoferlin; minus strand). Cytogenetic location: 2p23.3.
Variant type: single nucleotide variant.
Coding change: c.5991C>T on transcript NM_194248.3 (MANE Select); coding-DNA position 5991, C replaced by T.
Protein change: p.Ala1997=; no amino-acid change (alanine 1997 retained).
Molecular consequence: synonymous variant. On other transcripts: intron variant (2).
Genome position (GRCh38, 1-based): chr2:26,460,028, G>A on the plus strand (C>T on the coding strand, the complement: OTOF is on the minus strand). VCF-style: chr2-26460028-G-A. GRCh37 (hg19) VCF-style: chr2-26682896-G-A.
Other names: c.3690C>T, p.Ala1230= (NM_004802.4); c.3921C>T, p.Ala1307= (NM_194322.3); c.5813+619C>T (NM_001287489.2); c.3512+619C>T (NM_194323.3).
Identifiers: ClinVar variation 667143 (VCV000667143.33), dbSNP rs150691499, ClinGen allele CA1562647.
Genomic context (GRCh38, chr2:26,460,028, plus strand): 5'-CTAGCCCTTGGTCCAGAGGAAGAAGTAAGAAATATCAGACCCAGGAGGCCACTGGGCTCA[G>A]GCCCCGAGGATTTTCTTGACCAGGTAGCCAGGCACAGAGTAGAGGAACAGGGCGAGGAGG-3'
Protein context (NP_919224.1, residues 1987-1997): PGYLVKKILG[Ala1997=]

ClinVar aggregate classification (germline): Benign/Likely benign. Review status: criteria provided, multiple submitters, no conflicts (2 of 4 stars). 3 submissions from 3 submitters: Benign (1); Likely benign (2). Last evaluated 2026-07-01.

Allele frequency attached by ClinVar (database versions not stated): gnomAD exomes 0.00038 and 0.00039; gnomAD 0.00039 and 0.00037; ExAC 0.00079; ESP Exome Variant Server 0.00015; TOPMed 0.00025.
gnomAD v4.1: 596 of 1,567,268 alleles (0.038%); highest among the groups gnomAD compares: Non-Finnish European, 0.04%; 1 homozygote.

Submissions (3):

CeGaT Center for Human Genetics Tuebingen
Classification: Likely benign. Last evaluated: 2026-07-01. Review status: criteria provided, single submitter. Criteria: CeGaT Center For Human Genetics Tuebingen Variant Classification Criteria Version 2. Collection method: clinical testing. Allele origin: germline. Affected: yes. Observed: 2 variant alleles.
Comment: OTOF: BP4, BP7

Labcorp Genetics (formerly Invitae), Labcorp
Classification: Benign. Last evaluated: 2025-12-14. Review status: criteria provided, single submitter. Criteria: Invitae Variant Classification Sherloc (09022015). Collection method: clinical testing. Allele origin: germline.

Laboratory for Molecular Medicine, Mass General Brigham Personalized Medicine
Classification: Likely benign. Last evaluated: 2012-05-07. Review status: criteria provided, single submitter. Criteria: LMM Criteria. Collection method: clinical testing. Allele origin: germline. Observed: 1 variant allele.
Comment: "Ala1997Ala in Exon 46 of OTOF: This variant is not expected to have clinical si gnificance because it does not alter an amino acid residue, is not located withi n the splice consensus sequence, and has been identified in 2/6996 European Amer ican chromosomes from a broad population by the NHLBI Exome Sequencing Project (dbSNP rs150691499)."